The following is an entry in ClinVar:

ClinVar aggregate classification (germline): Uncertain significance (1 of 4 stars; one submission).

Conditions:
Inborn genetic diseases. Identifiers: MedGen C0950123, MeSH D030342.

Submission:

Ambry Genetics
Classification: Uncertain significance for Inborn genetic diseases. Last evaluated: 2024-10-24. Review status: criteria provided, single submitter. Criteria: Ambry Variant Classification Scheme 2023. Collection method: clinical testing. Allele origin: germline.
Comment: The p.S292N variant (also known as c.875G>A), located in coding exon 7 of the EPAS1 gene, results from a G to A substitution at nucleotide position 875. The serine at codon 292 is replaced by asparagine, an amino acid with highly similar properties. This amino acid position is conserved. In addition, this alteration is predicted to be tolerated by in silico analysis. Based on the available evidence, the clinical significance of this variant remains unclear.

NM_001430.5(EPAS1):c.875G>A (p.Ser292Asn)

Gene: EPAS1 (endothelial PAS domain protein 1; plus strand). Cytogenetic location: 2p21.
Variant type: single nucleotide variant.
Coding change: c.875G>A on transcript NM_001430.5 (MANE Select); coding-DNA position 875, G replaced by A.
Protein change: p.Ser292Asn; replaces serine 292 with asparagine.
Molecular consequence: missense variant.
Genome position (GRCh38, 1-based): chr2:46,369,922, G>A. VCF-style: chr2-46369922-G-A. GRCh37 (hg19) VCF-style: chr2-46597061-G-A.
Other names: short protein forms S292N.
Identifiers: ClinVar variation 3509010 (VCV003509010.1).
Genomic context (GRCh38, chr2:46,369,922, plus strand): 5'-TGCTTGGCCGCTCAGCCTATGAATTCTACCATGCGCTAGACTCCGAGAACATGACCAAGA[G>A]TCACCAGAACTGTGAGTTCCAGGAGTGCCCCTTGTGGCTTCCTTGTGTCTGTGGTATGTG-3'
Protein context (NP_001421.2, residues 282-302): HALDSENMTK[Ser292Asn]HQNLCTKGQV